The following is an entry in ClinVar:

NM_001377295.2(GNAT2):c.533G>A (p.Arg178Lys)

Gene: GNAT2 (G protein subunit alpha transducin 2; minus strand). Cytogenetic location: 1p13.3.
Variant type: single nucleotide variant.
Coding change: c.533G>A on transcript NM_001377295.2 (MANE Select); coding-DNA position 533, G replaced by A.
Protein change: p.Arg178Lys; replaces arginine 178 with lysine.
Molecular consequence: missense variant.
Genome position (GRCh38, 1-based): chr1:109,606,365, C>T on the plus strand (G>A on the coding strand, the complement: GNAT2 is on the minus strand). VCF-style: chr1-109606365-C-T. GRCh37 (hg19) VCF-style: chr1-110148987-C-T.
Other names: c.533G>A, p.Arg178Lys (NM_001379232.1, NM_005272.5); short protein forms R178K.
Identifiers: ClinVar variation 841688 (VCV000841688.6), dbSNP rs1310692549, ClinGen allele CA341538651.

ClinVar aggregate classification (germline): Uncertain significance (1 of 4 stars; one submission).

Allele frequency attached by ClinVar (database versions not stated): gnomAD exomes below 0.00001; TOPMed below 0.00001.
gnomAD v4.1: 2 of 1,612,586 alleles (0.00012%); highest among the groups gnomAD compares: African/African-American, 0.0013%; no homozygotes.

Submission:

Labcorp Genetics (formerly Invitae), Labcorp
Classification: Uncertain significance. Last evaluated: 2022-09-19. Review status: criteria provided, single submitter. Criteria: Invitae Variant Classification Sherloc (09022015). Collection method: clinical testing. Allele origin: germline.
Comment: In summary, the available evidence is currently insufficient to determine the role of this variant in disease. Therefore, it has been classified as a Variant of Uncertain Significance. Advanced modeling of protein sequence and biophysical properties (such as structural, functional, and spatial information, amino acid conservation, physicochemical variation, residue mobility, and thermodynamic stability) has been performed at Invitae for this missense variant, however the output from this modeling did not meet the statistical confidence thresholds required to predict the impact of this variant on GNAT2 protein function. ClinVar contains an entry for this variant (Variation ID: 841688). This variant has not been reported in the literature in individuals affected with GNAT2-related conditions. This variant is present in population databases (no rsID available, gnomAD 0.007%). This sequence change replaces arginine, which is basic and polar, with lysine, which is basic and polar, at codon 178 of the GNAT2 protein (p.Arg178Lys).